The following is an entry in ClinVar:

NM_003905.4(NAE1):c.147G>C (p.Leu49Phe)

Gene: NAE1 (NEDD8 activating enzyme E1 subunit 1; minus strand). Cytogenetic location: 16q22.1.
Variant type: single nucleotide variant.
Coding change: c.147G>C on transcript NM_003905.4 (MANE Select); coding-DNA position 147, G replaced by C.
Protein change: p.Leu49Phe; replaces leucine 49 with phenylalanine.
Molecular consequence: missense variant. On other transcripts: intron variant (1).
Genome position (GRCh38, 1-based): chr16:66,826,687, C>G on the plus strand (G>C on the coding strand, the complement: NAE1 is on the minus strand). VCF-style: chr16-66826687-C-G. GRCh37 (hg19) VCF-style: chr16-66860590-C-G.
Other names: c.129G>C, p.Leu43Phe (NM_001018159.2); c.147G>C, p.Leu49Phe (NM_001286500.2); c.-110-104G>C (NM_001018160.2); short protein forms L43F, L49F.
Identifiers: ClinVar variation 1676942 (VCV001676942.3), dbSNP rs760101172, ClinGen allele CA282230770.

ClinVar aggregate classification (germline): Pathogenic. Review status: no assertion criteria provided (0 of 4 stars). 2 submissions from 2 submitters: Pathogenic (2). Last evaluated 2023-01-27.

Conditions:
Neurodevelopmental disorder with dysmorphic facies and ischiopubic hypoplasia (NEDFIH). Identifiers: MedGen C5774298, MONDO:0859361, OMIM 620210.

Submissions (2):

OMIM
Classification: Pathogenic for NEURODEVELOPMENTAL DISORDER WITH DYSMORPHIC FACIES AND ISCHIOPUBIC HYPOPLASIA. Last evaluated: 2023-01-27. Review status: no assertion criteria provided. Collection method: literature only. Allele origin: germline.

University Medical Center Utrecht, University Utrecht
Classification: Pathogenic for Neurodevelopmental disorder with dysmorphic facies and ischiopubic hypoplasia. Review status: no assertion criteria provided. Collection method: clinical testing. Allele origin: inherited. Affected: yes. Observed: 1 compound heterozygote.
Comment: This variant was found in compound heterozygosity with the pathogenic variant NM_003905.4:c.254G>A.

Literature cited by the submitters: PubMed 36608681 (cited by OMIM and University Medical Center Utrecht, University Utrecht).